The following is an entry in ClinVar:

NM_000234.3(LIG1):c.2612G>A (p.Arg871His)

Gene: LIG1 (DNA ligase 1; minus strand). Cytogenetic location: 19q13.33.
Variant type: single nucleotide variant.
Coding change: c.2612G>A on transcript NM_000234.3 (MANE Select); coding-DNA position 2612, G replaced by A.
Protein change: p.Arg871His; replaces arginine 871 with histidine.
Molecular consequence: missense variant. On other transcripts: non-coding transcript variant (6).
Genome position (GRCh38, 1-based): chr19:48,115,937, C>T on the plus strand (G>A on the coding strand, the complement: LIG1 is on the minus strand). VCF-style: chr19-48115937-C-T. GRCh37 (hg19) VCF-style: chr19-48619194-C-T.
Other names: c.2519G>A, p.Arg840His (NM_001289063.2); c.2408G>A, p.Arg803His (NM_001289064.2); c.2609G>A, p.Arg870His (NM_001320970.2); c.2522G>A, p.Arg841His (NM_001320971.2); short protein forms R841H, R870H, R840H, R871H, R803H.
Identifiers: ClinVar variation 2179201 (VCV002179201.2), dbSNP rs765288678, ClinGen allele CA9546331.

ClinVar aggregate classification (germline): Uncertain significance. Review status: criteria provided, multiple submitters, no conflicts (2 of 4 stars). 2 submissions from 2 submitters: Uncertain significance (2). Last evaluated 2025-10-14.

Allele frequency attached by ClinVar (database versions not stated): ExAC 0.00001; gnomAD 0.00001; TOPMed 0.00002.
gnomAD v4.1: 55 of 1,613,814 alleles (0.0034%); highest among the groups gnomAD compares: Non-Finnish European, 0.0042%; no homozygotes.

Submissions (2):

Ambry Genetics
Classification: Uncertain significance. Last evaluated: 2025-10-14. Review status: criteria provided, single submitter. Criteria: Ambry Variant Classification Scheme 2023. Collection method: clinical testing. Allele origin: germline.
Comment: The c.2612G>A (p.R871H) alteration is located in exon 27 (coding exon 26) of the LIG1 gene. This alteration results from a G to A substitution at nucleotide position 2612, causing the arginine (R) at amino acid position 871 to be replaced by a histidine (H). Based on data from gnomAD, the A allele has an overall frequency of 0.001% (2/251080) total alleles studied. The highest observed frequency was 0.002% (2/113558) of European (non-Finnish) alleles. Based on insufficient or conflicting evidence, the clinical significance of this alteration remains unclear.

Labcorp Genetics (formerly Invitae), Labcorp
Classification: Uncertain significance. Last evaluated: 2022-06-25. Review status: criteria provided, single submitter. Criteria: Invitae Variant Classification Sherloc (09022015). Collection method: clinical testing. Allele origin: germline.
Comment: This sequence change replaces arginine, which is basic and polar, with histidine, which is basic and polar, at codon 871 of the LIG1 protein (p.Arg871His). This variant is present in population databases (rs765288678, gnomAD 0.002%). This variant has not been reported in the literature in individuals affected with LIG1-related conditions. Algorithms developed to predict the effect of missense changes on protein structure and function (SIFT, PolyPhen-2, Align-GVGD) all suggest that this variant is likely to be disruptive. In summary, the available evidence is currently insufficient to determine the role of this variant in disease. Therefore, it has been classified as a Variant of Uncertain Significance.